The following is an entry in ClinVar:

NM_006907.4(PYCR1):c.385C>T (p.Arg129Trp)

Gene: PYCR1 (pyrroline-5-carboxylate reductase 1; minus strand). Cytogenetic location: 17q25.3.
Variant type: single nucleotide variant.
Coding change: c.385C>T on transcript NM_006907.4 (MANE Select); coding-DNA position 385, C replaced by T.
Protein change: p.Arg129Trp; replaces arginine 129 with tryptophan.
Molecular consequence: missense variant.
Genome position (GRCh38, 1-based): chr17:81,935,081, G>A on the plus strand (C>T on the coding strand, the complement: PYCR1 is on the minus strand). VCF-style: chr17-81935081-G-A. GRCh37 (hg19) VCF-style: chr17-79892957-G-A.
Other names: c.385C>T, p.Arg129Trp (NM_001282279.2, NM_001282280.2, NM_001330523.2 and 1 more transcripts); c.466C>T, p.Arg156Trp (NM_001282281.2); short protein forms R129W, R156W.
Identifiers: ClinVar variation 3773887 (VCV003773887.1).

ClinVar aggregate classification (germline): Uncertain significance (1 of 4 stars; one submission).

Submission:

GeneDx
Classification: Uncertain significance. Last evaluated: 2024-09-24. Review status: criteria provided, single submitter. Criteria: GeneDx Variant Classification Process June 2021. Collection method: clinical testing. Allele origin: germline. Affected: yes.
Comment: Not observed at significant frequency in large population cohorts (gnomAD); In silico analysis supports that this missense variant has a deleterious effect on protein structure/function; Has not been previously published as pathogenic or benign to our knowledge